The following is an entry in ClinVar:

ClinVar aggregate classification (germline): Uncertain significance (1 of 4 stars; one submission).

Submission:

GeneDx
Classification: Uncertain significance. Last evaluated: 2025-08-15. Review status: criteria provided, single submitter. Criteria: GeneDx Variant Classification Process June 2021. Collection method: clinical testing. Allele origin: germline. Affected: yes.
Comment: Not observed at significant frequency in large population cohorts (gnomAD); In silico analysis suggests that this missense variant does not alter protein structure/function; Has not been previously published as pathogenic or benign to our knowledge

NM_014991.6(WDFY3):c.3394T>C (p.Ser1132Pro)

Gene: WDFY3 (WD repeat and FYVE domain containing 3; minus strand). Cytogenetic location: 4q21.23.
Variant type: single nucleotide variant.
Coding change: c.3394T>C on transcript NM_014991.6 (MANE Select); coding-DNA position 3394, T replaced by C.
Protein change: p.Ser1132Pro; replaces serine 1132 with proline.
Molecular consequence: missense variant.
Genome position (GRCh38, 1-based): chr4:84,794,612, A>G on the plus strand (T>C on the coding strand, the complement: WDFY3 is on the minus strand). VCF-style: chr4-84794612-A-G. GRCh37 (hg19) VCF-style: chr4-85715765-A-G.
Other names: short protein forms S1132P.
Identifiers: ClinVar variation 4795326 (VCV004795326.1).